The following is an entry in ClinVar:

ClinVar aggregate classification (germline): Pathogenic (1 of 4 stars; one submission).

Conditions:
Phelan-McDermid syndrome. Also called: TELOMERIC 22q13 MONOSOMY SYNDROME; Phelan-McDermid Syndrome-SHANK3 Related; 22q13.3 deletion syndrome. Identifiers: Orphanet 48652, MedGen C1853490, MONDO:0011652, OMIM 606232.

Submission:

Center for Human Genetics and Genomic Medicine, Uniklinik Rwth Aachen
Classification: Pathogenic for Phelan-McDermid syndrome. Review status: criteria provided, single submitter. Criteria: ACMG Guidelines, 2015. Collection method: clinical testing. Allele origin: de novo. Inheritance: Autosomal dominant inheritance. Affected: yes.
Comment: The detected variant is not present in databases nor has it been reported in literature. The variant affects the splicing- site in exon 9 and likely leads to a altered splicing. Thus, a loss of protein function is likely. We classified the variant as pathogenic (ACMG: PVS1, PS2, PM2)

NM_001372044.2(SHANK3):c.2301-2A>T

Gene: SHANK3 (SH3 and multiple ankyrin repeat domains 3; plus strand). Cytogenetic location: 22q13.33.
Variant type: single nucleotide variant.
Coding change: c.2301-2A>T on transcript NM_001372044.2 (MANE Select); the canonical splice acceptor site of the intron before coding-DNA position 2301, A replaced by T.
Molecular consequence: splice acceptor variant.
Genome position (GRCh38, 1-based): chr22:50,711,613, A>T. VCF-style: chr22-50711613-A-T. GRCh37 (hg19) VCF-style: chr22-51150041-A-T.
Other names: NM_001080420.1:c.2159-2A>T.
Identifiers: ClinVar variation 3338648 (VCV003338648.1).
Genomic context (GRCh38, chr22:50,711,613, plus strand): 5'-ATAATGGGGCCCGGGTGCCGAGCCTGCCTCTTACTCCCTTTACTCTGTTTCTTGATTCCA[A>T]GCCTCCATTCGGAGAAGAAAAGGGGGTGAGTCATCTGCCTGTGTCCCCAGGGCCTTGGCT-3'